The following is an entry in ClinVar:

ClinVar aggregate classification (germline): Uncertain significance (1 of 4 stars; one submission).

Submission:

GeneDx
Classification: Uncertain significance. Last evaluated: 2026-04-23. Review status: criteria provided, single submitter. Criteria: GeneDx Variant Classification Process June 2021. Collection method: clinical testing. Allele origin: germline.
Comment: Not observed at significant frequency in large population cohorts (gnomAD); In silico analysis supports a deleterious effect on splicing; In silico analysis suggests that this variant does not alter protein structure/function; Has not been previously published as pathogenic or benign to our knowledge

NM_001378454.1(ALMS1):c.4309_4310delinsGT (p.Ser1437Val)

Gene: ALMS1 (ALMS1 centrosome and basal body associated protein; plus strand). Cytogenetic location: 2p13.1.
Variant type: Indel.
Coding change: c.4309_4310delinsGT on transcript NM_001378454.1 (MANE Select); coding-DNA positions 4309 to 4310, AG replaced by GT.
Protein change: p.Ser1437Val; replaces serine 1437 with valine.
Molecular consequence: missense variant.
Genome position (GRCh38, 1-based): chr2:73,450,836-73,450,837, AG replaced by GT. VCF-style: chr2-73450836-AG-GT. GRCh37 (hg19) VCF-style: chr2-73677963-AG-GT.
Other names: c.4312_4313delinsGT, p.Ser1438Val (NM_015120.4); short protein forms S1437V, S1438V.
Identifiers: ClinVar variation 5037562 (VCV005037562.1).